The following is an entry in ClinVar:

NM_003128.3(SPTBN1):c.6233G>A (p.Arg2078Lys)

Gene: SPTBN1 (spectrin beta, non-erythrocytic 1; plus strand). Cytogenetic location: 2p16.2.
Variant type: single nucleotide variant.
Coding change: c.6233G>A on transcript NM_003128.3 (MANE Select); coding-DNA position 6233, G replaced by A.
Protein change: p.Arg2078Lys; replaces arginine 2078 with lysine.
Molecular consequence: missense variant.
Genome position (GRCh38, 1-based): chr2:54,658,036, G>A. VCF-style: chr2-54658036-G-A. GRCh37 (hg19) VCF-style: chr2-54885173-G-A.
Other names: c.6194G>A, p.Arg2065Lys (NM_178313.3); short protein forms R2065K, R2078K.
Identifiers: ClinVar variation 4885378 (VCV004885378.2).

ClinVar aggregate classification (germline): Uncertain significance (1 of 4 stars; one submission).

Submission:

Dasa
Classification: Uncertain significance. Last evaluated: 2025-01-13. Review status: criteria provided, single submitter. Criteria: DASA Assertion Criteria. Collection method: clinical testing. Allele origin: germline.
Comment: NM_003128.3(SPTBN1):c.6233G>A (p.Arg2078Lys) is a missense variant that results in the substitution of arginine with lysine. This variant is absent from population databases. Computational prediction algorithms are consistent with a benign effect. The currently available literature and clinical evidence are not sufficient to establish a definitive association between this variant and the reported condition. Therefore, this variant is classified as a variant of uncertain significance.